The following is an entry in ClinVar:

NM_004310.5(RHOH):c.202A>G (p.Ile68Val)

Gene: RHOH (ras homolog family member H; plus strand). Cytogenetic location: 4p14.
Variant type: single nucleotide variant.
Coding change: c.202A>G on transcript NM_004310.5 (MANE Select); coding-DNA position 202, A replaced by G.
Protein change: p.Ile68Val; replaces isoleucine 68 with valine.
Molecular consequence: missense variant.
Genome position (GRCh38, 1-based): chr4:40,243,588, A>G. VCF-style: chr4-40243588-A-G. GRCh37 (hg19) VCF-style: chr4-40245208-A-G.
Other names: c.202A>G, p.Ile68Val (NM_001278359.2, NM_001278360.2, NM_001278361.2 and 8 more transcripts); short protein forms I68V.
Identifiers: ClinVar variation 1015888 (VCV001015888.4), dbSNP rs200579964, ClinGen allele CA2897742.

ClinVar aggregate classification (germline): Uncertain significance (1 of 4 stars; one submission).

Conditions:
T-cell immunodeficiency with epidermodysplasia verruciformis. Identifiers: Orphanet 324294, MedGen C4749500, MONDO:0017925.

Allele frequency attached by ClinVar (database versions not stated): TOPMed 0.00006; ESP Exome Variant Server 0.00008; gnomAD exomes 0.00015 and 0.00023; gnomAD 0.00019 and 0.00020; ExAC 0.00021; 1000 Genomes Project 30x 0.00031; 1000 Genomes Project 0.00040.
gnomAD v4.1: 252 of 1,614,168 alleles (0.016%); highest among the groups gnomAD compares: Non-Finnish European, 0.011%; 1 homozygote.

Submission:

Labcorp Genetics (formerly Invitae), Labcorp
Classification: Uncertain significance for T-cell immunodeficiency with epidermodysplasia verruciformis. Last evaluated: 2022-05-03. Review status: criteria provided, single submitter. Criteria: Invitae Variant Classification Sherloc (09022015). Collection method: clinical testing. Allele origin: germline.
Comment: This sequence change replaces isoleucine, which is neutral and non-polar, with valine, which is neutral and non-polar, at codon 68 of the RHOH protein (p.Ile68Val). This variant is present in population databases (rs200579964, gnomAD 0.2%). This variant has not been reported in the literature in individuals affected with RHOH-related conditions. ClinVar contains an entry for this variant (Variation ID: 1015888). Algorithms developed to predict the effect of missense changes on protein structure and function are either unavailable or do not agree on the potential impact of this missense change (SIFT: "Tolerated"; PolyPhen-2: "Probably Damaging"; Align-GVGD: "Class C15"). In summary, the available evidence is currently insufficient to determine the role of this variant in disease. Therefore, it has been classified as a Variant of Uncertain Significance.